The following is an entry in ClinVar:

ClinVar aggregate classification (germline): Benign/Likely benign. Review status: criteria provided, multiple submitters, no conflicts (2 of 4 stars). 5 submissions from 5 submitters: Benign (2); Likely benign (3). Last evaluated 2026-06-01.

Conditions:
Cryopyrin associated periodic syndrome (CAPS). Identifiers: Orphanet 208650, MedGen C2316212, MONDO:0016168.

Allele frequency attached by ClinVar (database versions not stated): TOPMed 0.00019; gnomAD exomes 0.00020; ESP Exome Variant Server 0.00023.
gnomAD v4.1: 366 of 1,613,852 alleles (0.023%); highest among the groups gnomAD compares: Non-Finnish European, 0.027%; no homozygotes.

Submissions (5):

CeGaT Center for Human Genetics Tuebingen
Classification: Likely benign. Last evaluated: 2026-06-01. Review status: criteria provided, single submitter. Criteria: CeGaT Center For Human Genetics Tuebingen Variant Classification Criteria Version 2. Collection method: clinical testing. Allele origin: germline. Affected: yes. Observed: 3 variant alleles.
Comment: NLRP3: BP4, BP7

Labcorp Genetics (formerly Invitae), Labcorp
Classification: Likely benign for Cryopyrin associated periodic syndrome. Last evaluated: 2025-12-23. Review status: criteria provided, single submitter. Criteria: Invitae Variant Classification Sherloc (09022015). Collection method: clinical testing. Allele origin: germline.

Women's Health and Genetics/Laboratory Corporation of America, LabCorp
Classification: Benign. Last evaluated: 2024-12-02. Review status: criteria provided, single submitter. Criteria: LabCorp Variant Classification Summary - May 2015. Collection method: clinical testing. Allele origin: germline.

Blueprint Genetics
Classification: Likely benign. Last evaluated: 2024-04-11. Review status: criteria provided, single submitter. Criteria: ACMG Guidelines, 2015. Collection method: clinical testing. Allele origin: germline.

GeneDx
Classification: Benign. Last evaluated: 2015-03-03. Review status: criteria provided, single submitter. Criteria: GeneDx Variant Classification Process June 2021. Collection method: clinical testing. Allele origin: germline. Affected: yes.

NM_001243133.2(NLRP3):c.564C>T (p.Ile188=)

Gene: NLRP3 (NLR family pyrin domain containing 3; plus strand). Cytogenetic location: 1q44.
Variant type: single nucleotide variant.
Coding change: c.564C>T on transcript NM_001243133.2 (MANE Select); coding-DNA position 564, C replaced by T.
Protein change: p.Ile188=; no amino-acid change (isoleucine 188 retained).
Molecular consequence: synonymous variant.
Genome position (GRCh38, 1-based): chr1:247,424,013, C>T. VCF-style: chr1-247424013-C-T. GRCh37 (hg19) VCF-style: chr1-247587315-C-T.
Other names: c.564C>T, p.Ile188= (NM_001079821.3, NM_001127461.3, NM_001127462.3 and 1 more transcripts); c.570C>T, p.Ile190= (NM_004895.5).
Identifiers: ClinVar variation 726826 (VCV000726826.48), dbSNP rs147631017, ClinGen allele CA1494894.
Genomic context (GRCh38, chr1:247,424,013, plus strand): 5'-ACTGCGTCTCATCAAGGAGCACCGGAGCCAGCAGGAGAGGGAGCAGGAGCTTCTGGCCAT[C>T]GGCAAGACCAAGACGTGTGAGAGCCCCGTGAGTCCCATTAAGATGGAGTTGCTGTTTGAC-3'
Protein context (NP_001230062.1, residues 178-198): QQEREQELLA[Ile188=]GKTKTCESPV